The following is an entry in ClinVar:

NM_024649.5(BBS1):c.102C>T (p.Ile34=)

Gene: BBS1 (Bardet-Biedl syndrome 1; plus strand). Cytogenetic location: 11q13.2.
Variant type: single nucleotide variant.
Coding change: c.102C>T on transcript NM_024649.5 (MANE Select); coding-DNA position 102, C replaced by T.
Protein change: p.Ile34=; no amino-acid change (isoleucine 34 retained).
Molecular consequence: synonymous variant.
Genome position (GRCh38, 1-based): chr11:66,511,067, C>T. VCF-style: chr11-66511067-C-T. GRCh37 (hg19) VCF-style: chr11-66278538-C-T.
Other names: c.102C>T (NM_024649.4).
Identifiers: ClinVar variation 1129086 (VCV001129086.10), dbSNP rs760081811, ClinGen allele CA6123236.

ClinVar aggregate classification (germline): Likely benign. Review status: criteria provided, single submitter (1 of 4 stars). 2 submissions from 2 submitters: Likely benign (1). 1 of the submissions does not count toward it. Last evaluated 2025-08-01.

Conditions:
BBS1-related disorder. Also called: BBS1-related condition.
Bardet-Biedl syndrome (BBS). Identifiers: Orphanet 110, MedGen C0752166, MONDO:0015229.

Allele frequency attached by ClinVar (database versions not stated): TOPMed 0.00002.
gnomAD v4.1: 17 of 1,614,066 alleles (0.0011%); highest among the groups gnomAD compares: Admixed American, 0.0033%; 1 homozygote.

Submissions (2):

Labcorp Genetics (formerly Invitae), Labcorp
Classification: Likely benign for Bardet-Biedl syndrome. Last evaluated: 2025-08-01. Review status: criteria provided, single submitter. Criteria: Invitae Variant Classification Sherloc (09022015). Collection method: clinical testing. Allele origin: germline.

PreventionGenetics, part of Exact Sciences
Classification: Likely benign for BBS1-related condition. Last evaluated: 2024-05-14. Review status: no assertion criteria provided. Collection method: clinical testing. Allele origin: germline. Not counted in ClinVar's aggregate classification.
Comment: This variant is classified as likely benign based on ACMG/AMP sequence variant interpretation guidelines (Richards et al. 2015 PMID: 25741868, with internal and published modifications).